The following is an entry in ClinVar:

ClinVar aggregate classification (germline): Conflicting classifications of pathogenicity. Review status: criteria provided, conflicting classifications (1 of 4 stars). 5 submissions from 5 submitters: Uncertain significance (3); Likely benign (1). 1 of the submissions does not count toward it. Last evaluated 2025-11-24.

Conditions:
Cardiomyopathy (CMYO). Also called: Cardiomyopathies. Identifiers: Orphanet 167848, MedGen C0878544, MONDO:0004994, HP:0001638. Inheritance: Various modes of inheritance.
Duchenne muscular dystrophy (DMD). Also called: MUSCULAR DYSTROPHY, PSEUDOHYPERTROPHIC PROGRESSIVE, DUCHENNE TYPE; Duchenne Muscular Dystrophy (DMD). Identifiers: Orphanet 98896, MedGen C0013264, MONDO:0010679, OMIM 310200.
Becker muscular dystrophy (BMD). Also called: Becker Muscular Dystrophy (BMD); MUSCULAR DYSTROPHY, PSEUDOHYPERTROPHIC PROGRESSIVE, BECKER TYPE. Identifiers: Orphanet 98895, MedGen C0917713, MONDO:0010311, OMIM 300376.
Dystrophin deficiency.
Dilated cardiomyopathy 3B (CMD3B). Also called: CMD3B: DMD-Related Dilated Cardiomyopathy; CARDIOMYOPATHY, DILATED, X-LINKED; DMD-Associated Dilated Cardiomyopathy. Identifiers: Orphanet 154, MedGen C3668940, MONDO:0010542, OMIM 302045.
Cardiovascular phenotype. Identifiers: MedGen CN230736.

Allele frequency attached by ClinVar (database versions not stated): gnomAD exomes 0.00001 and 0.00002; ExAC 0.00002; TOPMed 0.00002; gnomAD 0.00003.
gnomAD v4.1: 18 of 1,201,721 alleles (0.0015%); highest among the groups gnomAD compares: Non-Finnish European, 0.0019%; no homozygotes.

Submissions (5):

Labcorp Genetics (formerly Invitae), Labcorp
Classification: Uncertain significance for Duchenne muscular dystrophy. Last evaluated: 2025-11-24. Review status: criteria provided, single submitter. Criteria: Invitae Variant Classification Sherloc (09022015). Collection method: clinical testing. Allele origin: germline.
Comment: This sequence change replaces isoleucine, which is neutral and non-polar, with threonine, which is neutral and polar, at codon 1115 of the DMD protein (p.Ile1115Thr). This variant is present in population databases (rs748123444, gnomAD 0.006%). This variant has not been reported in the literature in individuals affected with DMD-related conditions. ClinVar contains an entry for this variant (Variation ID: 195878). Invitae Evidence Modeling of protein sequence and biophysical properties (such as structural, functional, and spatial information, amino acid conservation, physicochemical variation, residue mobility, and thermodynamic stability) indicates that this missense variant is not expected to disrupt DMD protein function with a negative predictive value of 95%. In summary, the available evidence is currently insufficient to determine the role of this variant in disease. Therefore, it has been classified as a Variant of Uncertain Significance.

Ambry Genetics
Classification: Likely benign for Cardiovascular phenotype. Last evaluated: 2025-05-25. Review status: criteria provided, single submitter. Criteria: Ambry Variant Classification Scheme 2023. Collection method: clinical testing. Allele origin: germline.

Fulgent Genetics
Classification: Uncertain significance for Becker muscular dystrophy; Dilated cardiomyopathy 3B; Duchenne muscular dystrophy. Last evaluated: 2018-10-31. Review status: criteria provided, single submitter. Criteria: ACMG Guidelines, 2015. Collection method: clinical testing. Allele origin: unknown.

Eurofins Ntd Llc (ga)
Classification: Uncertain significance. Last evaluated: 2014-08-11. Review status: criteria provided, single submitter. Criteria: EGL Classification Definitions 2015. Collection method: clinical testing. Allele origin: germline. Observed: 1 variant allele, 1 hemizygote.

Natera, Inc.
Classification: Uncertain significance for Becker muscular dystrophy; Cardiomyopathy; Duchenne muscular dystrophy; Dystrophin deficiency. Last evaluated: 2018-12-06. Review status: no assertion criteria provided. Collection method: clinical testing. Allele origin: germline. Not counted in ClinVar's aggregate classification.

NM_004006.3(DMD):c.3344T>C (p.Ile1115Thr)

Gene: DMD (dystrophin; minus strand). Cytogenetic location: Xp21.1.
Variant type: single nucleotide variant.
Coding change: c.3344T>C on transcript NM_004006.3 (MANE Select); coding-DNA position 3344, T replaced by C.
Protein change: p.Ile1115Thr; replaces isoleucine 1115 with threonine.
Molecular consequence: missense variant.
Genome position (GRCh38, 1-based): chrX:32,463,527, A>G on the plus strand (T>C on the coding strand, the complement: DMD is on the minus strand). VCF-style: chrX-32463527-A-G. GRCh37 (hg19) VCF-style: chrX-32481644-A-G.
Other names: c.3320T>C, p.Ile1107Thr (NM_000109.4); c.3332T>C, p.Ile1111Thr (NM_004009.3); c.2975T>C, p.Ile992Thr (NM_004010.3); c.3344T>C (NM_004006.2); short protein forms I1115T, I1111T, I992T, I1107T.
Identifiers: ClinVar variation 195878 (VCV000195878.12), dbSNP rs748123444, ClinGen allele CA242545.